The following is an entry in ClinVar:

NM_001010874.5(TECRL):c.338C>A (p.Pro113His)

Gene: TECRL (trans-2,3-enoyl-CoA reductase like; minus strand). Cytogenetic location: 4q13.1.
Variant type: single nucleotide variant.
Coding change: c.338C>A on transcript NM_001010874.5 (MANE Select); coding-DNA position 338, C replaced by A.
Protein change: p.Pro113His; replaces proline 113 with histidine.
Molecular consequence: missense variant.
Genome position (GRCh38, 1-based): chr4:64,322,786, G>T on the plus strand (C>A on the coding strand, the complement: TECRL is on the minus strand). VCF-style: chr4-64322786-G-T. GRCh37 (hg19) VCF-style: chr4-65188504-G-T.
Other names: c.338C>A, p.Pro113His (NM_001363796.1); short protein forms P113H.
Identifiers: ClinVar variation 2449413 (VCV002449413.2), dbSNP rs1474037096, ClinGen allele CA357144887.

ClinVar aggregate classification (germline): Uncertain significance (1 of 4 stars; one submission).

Conditions:
Cardiovascular phenotype. Identifiers: MedGen CN230736.

Allele frequency attached by ClinVar (database versions not stated): gnomAD exomes below 0.00001.
gnomAD v4.1: 4 of 1,593,304 alleles (0.00025%); highest among the groups gnomAD compares: South Asian, 0.0035%; no homozygotes.

Submission:

Ambry Genetics
Classification: Uncertain significance for Cardiovascular phenotype. Last evaluated: 2023-02-23. Review status: criteria provided, single submitter. Criteria: Ambry Variant Classification Scheme 2023. Collection method: clinical testing. Allele origin: germline.
Comment: The p.P113H variant (also known as c.338C>A), located in coding exon 4 of the TECRL gene, results from a C to A substitution at nucleotide position 338. The proline at codon 113 is replaced by histidine, an amino acid with similar properties. This amino acid position is conserved. In addition, this alteration is predicted to be tolerated by in silico analysis. Since supporting evidence is limited at this time, the clinical significance of this alteration remains unclear.